The following is an entry in ClinVar:

NM_030665.4(RAI1):c.2773G>A (p.Val925Ile)

Gene: RAI1 (retinoic acid induced 1; plus strand). Cytogenetic location: 17p11.2.
Variant type: single nucleotide variant.
Coding change: c.2773G>A on transcript NM_030665.4 (MANE Select); coding-DNA position 2773, G replaced by A.
Protein change: p.Val925Ile; replaces valine 925 with isoleucine.
Molecular consequence: missense variant.
Genome position (GRCh38, 1-based): chr17:17,795,721, G>A. VCF-style: chr17-17795721-G-A. GRCh37 (hg19) VCF-style: chr17-17699035-G-A.
Other names: c.2773G>A (NM_030665.3); short protein forms V925I.
Identifiers: ClinVar variation 4798738 (VCV004798738.2).

ClinVar aggregate classification (germline): Uncertain significance. Review status: criteria provided, multiple submitters, no conflicts (2 of 4 stars). 2 submissions from 2 submitters: Uncertain significance (2). Last evaluated 2026-06-03.

Conditions:
RAI1-related disorder. Also called: RAI1-related condition.

gnomAD v4.1: 16 of 1,613,236 alleles (0.00099%); highest among the groups gnomAD compares: South Asian, 0.0066%; no homozygotes.

Submissions (2):

PreventionGenetics, part of Exact Sciences
Classification: Uncertain significance for RAI1-related condition. Last evaluated: 2026-06-03. Review status: criteria provided, single submitter. Criteria: ACMG Guidelines, 2015. Collection method: clinical testing. Allele origin: germline.
Comment: The RAI1 c.2773G>A variant is predicted to result in the amino acid substitution p.Val925Ile. To our knowledge, this variant has not been reported in the literature. This variant is reported in 0.0033% of alleles in individuals of South Asian descent in gnomAD. At this time, the clinical significance of this variant is uncertain due to the absence of conclusive functional and genetic evidence.

Labcorp Genetics (formerly Invitae), Labcorp
Classification: Uncertain significance. Last evaluated: 2025-04-01. Review status: criteria provided, single submitter. Criteria: Invitae Variant Classification Sherloc (09022015). Collection method: clinical testing. Allele origin: germline.
Comment: This sequence change replaces valine, which is neutral and non-polar, with isoleucine, which is neutral and non-polar, at codon 925 of the RAI1 protein (p.Val925Ile). This variant is present in population databases (rs148043760, gnomAD 0.003%). This variant has not been reported in the literature in individuals affected with RAI1-related conditions. Invitae Evidence Modeling of protein sequence and biophysical properties (such as structural, functional, and spatial information, amino acid conservation, physicochemical variation, residue mobility, and thermodynamic stability) indicates that this missense variant is not expected to disrupt RAI1 protein function with a negative predictive value of 80%. In summary, the available evidence is currently insufficient to determine the role of this variant in disease. Therefore, it has been classified as a Variant of Uncertain Significance.